The following is an entry in ClinVar:

NM_004036.5(ADCY3):c.1876G>C (p.Val626Leu)

Gene: ADCY3 (adenylate cyclase 3; minus strand). Cytogenetic location: 2p23.3.
Variant type: single nucleotide variant.
Coding change: c.1876G>C on transcript NM_004036.5 (MANE Select); coding-DNA position 1876, G replaced by C.
Protein change: p.Val626Leu; replaces valine 626 with leucine.
Molecular consequence: missense variant.
Genome position (GRCh38, 1-based): chr2:24,834,576, C>G on the plus strand (G>C on the coding strand, the complement: ADCY3 is on the minus strand). VCF-style: chr2-24834576-C-G. GRCh37 (hg19) VCF-style: chr2-25057445-C-G.
Other names: c.1876G>C, p.Val626Leu (NM_001320613.2, NM_001377129.1, NM_001377130.1 and 1 more transcripts); c.1942G>C, p.Val648Leu (NM_001377128.1); c.1153G>C, p.Val385Leu (NM_001377131.1); short protein forms V385L, V648L, V626L.
Identifiers: ClinVar variation 4983086 (VCV004983086.1).

ClinVar aggregate classification (germline): Uncertain significance (1 of 4 stars; one submission).

Conditions:
ADCY3-related disorder. Also called: ADCY3-related condition.

gnomAD v4.1: 11 of 1,614,018 alleles (0.00068%); highest among the groups gnomAD compares: Non-Finnish European, 0.00085%; no homozygotes.

Submission:

PreventionGenetics, part of Exact Sciences
Classification: Uncertain significance for ADCY3-related condition. Last evaluated: 2026-02-26. Review status: criteria provided, single submitter. Criteria: ACMG Guidelines, 2015. Collection method: clinical testing. Allele origin: germline.
Comment: The ADCY3 c.1876G>C variant is predicted to result in the amino acid substitution p.Val626Leu. To our knowledge, this variant has not been reported in the literature. This variant is reported in 0.0023% of alleles in individuals of European (Non-Finnish) descent in gnomAD. At this time, the clinical significance of this variant is uncertain due to the absence of conclusive functional and genetic evidence.